The following is an entry in ClinVar:

NM_058216.3(RAD51C):c.56T>C (p.Leu19Pro)

Gene: RAD51C (RAD51 paralog C; plus strand). Cytogenetic location: 17q22.
Variant type: single nucleotide variant.
Coding change: c.56T>C on transcript NM_058216.3 (MANE Select); coding-DNA position 56, T replaced by C.
Protein change: p.Leu19Pro; replaces leucine 19 with proline.
Molecular consequence: missense variant. On other transcripts: non-coding transcript variant (1).
Genome position (GRCh38, 1-based): chr17:58,692,699, T>C. VCF-style: chr17-58692699-T-C. GRCh37 (hg19) VCF-style: chr17-56770060-T-C.
Other names: c.56T>C, p.Leu19Pro (NM_002876.4); short protein forms L19P.
Identifiers: ClinVar variation 655726 (VCV000655726.15), dbSNP rs1598448973, ClinGen allele CA400336724.

ClinVar aggregate classification (germline): Uncertain significance. Review status: criteria provided, multiple submitters, no conflicts (2 of 4 stars). 3 submissions from 3 submitters: Uncertain significance (3). Last evaluated 2026-01-24.

Conditions:
Fanconi anemia complementation group O. Also called: RAD51C-Related Fanconi Anemia. Identifiers: Orphanet 84, MedGen C3150653, MONDO:0013248, OMIM 613390.
Hereditary cancer-predisposing syndrome. Also called: Neoplastic Syndromes, Hereditary; Hereditary neoplastic syndrome; Hereditary Cancer Syndrome; Tumor predisposition. Identifiers: Orphanet 140162, MedGen C0027672, MeSH D009386, MONDO:0015356.

Allele frequency attached by ClinVar (database versions not stated): TOPMed below 0.00001.

Submissions (3):

Labcorp Genetics (formerly Invitae), Labcorp
Classification: Uncertain significance for Fanconi anemia complementation group O. Last evaluated: 2026-01-24. Review status: criteria provided, single submitter. Criteria: Invitae Variant Classification Sherloc (09022015). Collection method: clinical testing. Allele origin: germline.
Comment: This sequence change replaces leucine, which is neutral and non-polar, with proline, which is neutral and non-polar, at codon 19 of the RAD51C protein (p.Leu19Pro). This variant is not present in population databases (gnomAD no frequency). This variant has not been reported in the literature in individuals affected with RAD51C-related conditions. ClinVar contains an entry for this variant (Variation ID: 655726). Invitae Evidence Modeling of protein sequence and biophysical properties (such as structural, functional, and spatial information, amino acid conservation, physicochemical variation, residue mobility, and thermodynamic stability) indicates that this missense variant is expected to disrupt RAD51C protein function with a positive predictive value of 80%. In summary, the available evidence is currently insufficient to determine the role of this variant in disease. Therefore, it has been classified as a Variant of Uncertain Significance.

Ambry Genetics
Classification: Uncertain significance for Hereditary cancer-predisposing syndrome. Last evaluated: 2024-04-22. Review status: criteria provided, single submitter. Criteria: Ambry Variant Classification Scheme 2023. Collection method: clinical testing. Allele origin: germline.
Comment: The p.L19P variant (also known as c.56T>C), located in coding exon 1 of the RAD51C gene, results from a T to C substitution at nucleotide position 56. The leucine at codon 19 is replaced by proline, an amino acid with similar properties. This amino acid position is highly conserved in available vertebrate species. In addition, this alteration is predicted to be deleterious by in silico analysis. Since supporting evidence is limited at this time, the clinical significance of this alteration remains unclear.

Color Diagnostics, LLC DBA Color Health
Classification: Uncertain significance for Hereditary cancer-predisposing syndrome. Last evaluated: 2024-03-06. Review status: criteria provided, single submitter. Criteria: ACMG Guidelines, 2015. Collection method: clinical testing. Allele origin: germline.
Comment: This missense variant replaces leucine with proline at codon 19 of the RAD51C protein. Computational prediction is inconclusive regarding the impact of this variant on protein structure and function (internally defined REVEL score threshold 0.5 < inconclusive < 0.7, PMID: 27666373). To our knowledge, functional studies have not been reported for this variant. This variant has not been reported in individuals affected with hereditary cancer in the literature. This variant has not been identified in the general population by the Genome Aggregation Database (gnomAD). The available evidence is insufficient to determine the role of this variant in disease conclusively. Therefore, this variant is classified as a Variant of Uncertain Significance.